The following is an entry in ClinVar:

NM_000435.3(NOTCH3):c.5003A>G (p.Lys1668Arg)

Gene: NOTCH3 (notch receptor 3; minus strand). Cytogenetic location: 19p13.12.
Variant type: single nucleotide variant.
Coding change: c.5003A>G on transcript NM_000435.3 (MANE Select); coding-DNA position 5003, A replaced by G.
Protein change: p.Lys1668Arg; replaces lysine 1668 with arginine.
Molecular consequence: missense variant.
Genome position (GRCh38, 1-based): chr19:15,170,442, T>C on the plus strand (A>G on the coding strand, the complement: NOTCH3 is on the minus strand). VCF-style: chr19-15170442-T-C. GRCh37 (hg19) VCF-style: chr19-15281253-T-C.
Other names: short protein forms K1668R.
Identifiers: ClinVar variation 4887481 (VCV004887481.1).

ClinVar aggregate classification (germline): Uncertain significance (1 of 4 stars; one submission).

Submission:

Women's Health and Genetics/Laboratory Corporation of America, LabCorp
Classification: Uncertain significance. Last evaluated: 2026-06-05. Review status: criteria provided, single submitter. Criteria: LabCorp Variant Classification Summary - May 2015. Collection method: clinical testing. Allele origin: germline.
Comment: Variant summary: NOTCH3 c.5003A>G (p.Lys1668Arg) results in a conservative amino acid change in the encoded protein sequence. Algorithms developed to predict the effect of missense changes on protein structure and function are either unavailable or do not agree on the potential impact of this missense change. The variant was absent in 246436 control chromosomes. The available data on variant occurrences in the general population are insufficient to allow any conclusion about variant significance. To our knowledge, no occurrence of c.5003A>G in individuals affected with NOTCH3-related conditions and no experimental evidence demonstrating its impact on protein function have been reported. No submitters have cited clinical-significance assessments for this variant to ClinVar. Based on the evidence outlined above, the variant was classified as uncertain significance.